The following is an entry in ClinVar:

ClinVar aggregate classification (germline): Likely benign (1 of 4 stars; one submission).

Allele frequency attached by ClinVar (database versions not stated): gnomAD exomes below 0.00001.
gnomAD v4.1: 2 of 1,596,364 alleles (0.00013%); highest among the groups gnomAD compares: Middle Eastern, 0.017%; no homozygotes.

Submission:

CeGaT Center for Human Genetics Tuebingen
Classification: Likely benign. Last evaluated: 2022-07-01. Review status: criteria provided, single submitter. Criteria: CeGaT Center For Human Genetics Tuebingen Variant Classification Criteria Version 2. Collection method: clinical testing. Allele origin: germline. Affected: yes. Observed: 1 variant allele.
Comment: UBR2: PM2:Supporting, BP4, BP7

NM_001363705.2(UBR2):c.663A>G (p.Val221=)

Gene: UBR2 (ubiquitin protein ligase E3 component n-recognin 2; plus strand). Cytogenetic location: 6p21.1.
Variant type: single nucleotide variant.
Coding change: c.663A>G on transcript NM_001363705.2 (MANE Select); coding-DNA position 663, A replaced by G.
Protein change: p.Val221=; no amino-acid change (valine 221 retained).
Molecular consequence: synonymous variant.
Genome position (GRCh38, 1-based): chr6:42,605,721, A>G. VCF-style: chr6-42605721-A-G. GRCh37 (hg19) VCF-style: chr6-42573459-A-G.
Other names: c.663A>G, p.Val221= (NM_001184801.2, NM_015255.3).
Identifiers: ClinVar variation 2656554 (VCV002656554.24), dbSNP rs1005527200, ClinGen allele CA138415368.